The following is an entry in ClinVar:

ClinVar aggregate classification (germline): Uncertain significance (1 of 4 stars; one submission).

Allele frequency attached by ClinVar (database versions not stated): gnomAD 0.00001; ExAC 0.00003.
gnomAD v4.1: 15 of 1,611,452 alleles (0.00093%); highest among the groups gnomAD compares: Non-Finnish European, 0.0012%; no homozygotes.

Submission:

CeGaT Center for Human Genetics Tuebingen
Classification: Uncertain significance. Last evaluated: 2022-06-01. Review status: criteria provided, single submitter. Criteria: CeGaT Center For Human Genetics Tuebingen Variant Classification Criteria Version 2. Collection method: clinical testing. Allele origin: germline. Affected: yes. Observed: 1 variant allele.
Comment: CHD8: PP2

NM_001170629.2(CHD8):c.6937A>G (p.Thr2313Ala)

Genes: CHD8 (chromodomain helicase DNA binding protein 8; minus strand), LOC126861888 (CDK7 strongly-dependent group 2 enhancer GRCh37_chr14:21859227-21860426; plus strand). Cytogenetic location: 14q11.2.
Variant type: single nucleotide variant.
Coding change: c.6937A>G on transcript NM_001170629.2 (MANE Select); coding-DNA position 6937, A replaced by G.
Protein change: p.Thr2313Ala; replaces threonine 2313 with alanine.
Molecular consequence: missense variant.
Genome position (GRCh38, 1-based): chr14:21,391,591, T>C on the plus strand (A>G on the coding strand, the complement: CHD8 is on the minus strand). VCF-style: chr14-21391591-T-C. GRCh37 (hg19) VCF-style: chr14-21859750-T-C.
Other names: c.6100A>G, p.Thr2034Ala (NM_020920.4); short protein forms T2034A, T2313A.
Identifiers: ClinVar variation 2644062 (VCV002644062.24), dbSNP rs750757608, ClinGen allele CA7090642.